The following is an entry in ClinVar:

ClinVar aggregate classification (germline): Uncertain significance (1 of 4 stars; one submission).

Conditions:
Dilated cardiomyopathy 1O (CMD1O). Also called: CARDIOMYOPATHY, DILATED, WITH VENTRICULAR TACHYCARDIA. Identifiers: Orphanet 154, MedGen C1837839, MONDO:0012062, OMIM 608569.

Allele frequency attached by ClinVar (database versions not stated): ExAC 0.00001; gnomAD 0.00001; ESP Exome Variant Server 0.00008.

Submission:

Labcorp Genetics (formerly Invitae), Labcorp
Classification: Uncertain significance for Dilated cardiomyopathy 1O. Last evaluated: 2022-08-22. Review status: criteria provided, single submitter. Criteria: Invitae Variant Classification Sherloc (09022015). Collection method: clinical testing. Allele origin: germline.
Comment: In summary, the available evidence is currently insufficient to determine the role of this variant in disease. Therefore, it has been classified as a Variant of Uncertain Significance. Algorithms developed to predict the effect of missense changes on protein structure and function are either unavailable or do not agree on the potential impact of this missense change (SIFT: "Deleterious"; PolyPhen-2: "Benign"; Align-GVGD: "Class C0"). This variant has not been reported in the literature in individuals affected with ABCC9-related conditions. This variant is present in population databases (rs373792254, gnomAD 0.01%). This sequence change replaces arginine, which is basic and polar, with tryptophan, which is neutral and slightly polar, at codon 96 of the ABCC9 protein (p.Arg96Trp).

NM_020297.4(ABCC9):c.286C>T (p.Arg96Trp)

Gene: ABCC9 (ATP binding cassette subfamily C member 9; minus strand). Cytogenetic location: 12p12.1.
Variant type: single nucleotide variant.
Coding change: c.286C>T on transcript NM_020297.4 (MANE Select); coding-DNA position 286, C replaced by T.
Protein change: p.Arg96Trp; replaces arginine 96 with tryptophan.
Molecular consequence: missense variant. On other transcripts: 5 prime UTR variant (1).
Genome position (GRCh38, 1-based): chr12:21,926,062, G>A on the plus strand (C>T on the coding strand, the complement: ABCC9 is on the minus strand). VCF-style: chr12-21926062-G-A. GRCh37 (hg19) VCF-style: chr12-22078996-G-A.
Other names: c.286C>T, p.Arg96Trp (NM_001377273.1, NM_005691.4); c.-169C>T (NM_001377274.1); short protein forms R96W.
Identifiers: ClinVar variation 2159754 (VCV002159754.4), dbSNP rs373792254, ClinGen allele CA6481905.